The following is an entry in ClinVar:

NM_004733.4(SLC33A1):c.610A>G (p.Met204Val)

Gene: SLC33A1 (solute carrier family 33 member 1; minus strand). Cytogenetic location: 3q25.31.
Variant type: single nucleotide variant.
Coding change: c.610A>G on transcript NM_004733.4 (MANE Select); coding-DNA position 610, A replaced by G.
Protein change: p.Met204Val; replaces methionine 204 with valine.
Molecular consequence: missense variant.
Genome position (GRCh38, 1-based): chr3:155,853,388, T>C on the plus strand (A>G on the coding strand, the complement: SLC33A1 is on the minus strand). VCF-style: chr3-155853388-T-C. GRCh37 (hg19) VCF-style: chr3-155571177-T-C.
Other names: c.610A>G, p.Met204Val (NM_001190992.2, NM_001363883.1); short protein forms M204V.
Identifiers: ClinVar variation 1328537 (VCV001328537.4), dbSNP rs1170048779, ClinGen allele CA355143240.

ClinVar aggregate classification (germline): Uncertain significance (1 of 4 stars; one submission).

Conditions:
SLC33A1-related hereditary spastic paraplegia.

Allele frequency attached by ClinVar (database versions not stated): gnomAD 0.00001; gnomAD exomes 0.00001; TOPMed 0.00001.
gnomAD v4.1: 14 of 1,613,868 alleles (0.00087%); highest among the groups gnomAD compares: Non-Finnish European, 0.0011%; no homozygotes.

Submission:

Illumina Laboratory Services, Illumina
Classification: Uncertain significance for SLC33A1-related hereditary spastic paraplegia. Last evaluated: 2021-04-28. Review status: criteria provided, single submitter. Criteria: ICSLVariantClassificationCriteria RUGD 01 April 2020. Collection method: clinical testing. Allele origin: unknown.
Comment: The SLC33A1 c.610A>G (p.Met204Val) variant is a missense variant. A literature search was performed for the gene, cDNA change, and amino acid change. No publications were found based on this search. This variant is reported at a frequency of 0.000018 in the European (non-Finnish) population of the Genome Aggregation Database but this is based on two alleles in a region of good sequence coverage so the variant is presumed to be rare. Based on the limited evidence, the p.Met204Val variant is classified as a variant of uncertain significance for SLC33A1-related hereditary spastic paraplegia.